The following is an entry in ClinVar:

ClinVar aggregate classification (germline): Uncertain significance (1 of 4 stars; one submission).

Conditions:
Hereditary cancer-predisposing syndrome. Also called: Neoplastic Syndromes, Hereditary; Tumor predisposition; Hereditary Cancer Syndrome; Hereditary neoplastic syndrome. Identifiers: Orphanet 140162, MedGen C0027672, MeSH D009386, MONDO:0015356.

Submission:

Ambry Genetics
Classification: Uncertain significance for Hereditary cancer-predisposing syndrome. Last evaluated: 2026-05-28. Review status: criteria provided, single submitter. Criteria: Ambry Variant Classification Scheme 2023. Collection method: clinical testing. Allele origin: germline.
Comment: The p.L1669V variant (also known as c.5005T>G), located in coding exon 10 of the BRCA2 gene, results from a T to G substitution at nucleotide position 5005. The leucine at codon 1669 is replaced by valine, an amino acid with highly similar properties. This amino acid position is conserved. In addition, this alteration is predicted to be tolerated by in silico analysis. Based on the available evidence, the clinical significance of this variant remains unclear.

NM_000059.4(BRCA2):c.5005T>G (p.Leu1669Val)

Gene: BRCA2 (BRCA2 DNA repair associated; plus strand). Cytogenetic location: 13q13.1.
Variant type: single nucleotide variant.
Coding change: c.5005T>G on transcript NM_000059.4 (MANE Select); coding-DNA position 5005, T replaced by G.
Protein change: p.Leu1669Val; replaces leucine 1669 with valine.
Molecular consequence: missense variant. On other transcripts: non-coding transcript variant (1), intron variant (2).
Genome position (GRCh38, 1-based): chr13:32,339,360, T>G. VCF-style: chr13-32339360-T-G. GRCh37 (hg19) VCF-style: chr13-32913497-T-G.
Other names: c.5005T>G, p.Leu1669Val (NM_001406719.1, NM_001406720.1, NM_001432077.1); c.1910-5198T>G (NM_001406721.1); c.425-5198T>G (NM_001406722.1); short protein forms L1669V.
Identifiers: ClinVar variation 4867879 (VCV004867879.1).
Genomic context (GRCh38, chr13:32,339,360, plus strand): 5'-AAAAGTCCTGCAACTTGTTACACAAATCAGTCCCCTTATTCAGTCATTGAAAATTCAGCC[T>G]TAGCTTTTTACACAAGTTGTAGTAGAAAAACTTCTGTGAGTCAGACTTCATTACTTGAAG-3'
Protein context (NP_000050.3, residues 1659-1679): SPYSVIENSA[Leu1669Val]AFYTSCSRKT